The following is an entry in ClinVar:

NM_025179.4(PLXNA2):c.4530G>A (p.Glu1510=)

Gene: PLXNA2 (plexin A2; minus strand). Cytogenetic location: 1q32.2.
Variant type: single nucleotide variant.
Coding change: c.4530G>A on transcript NM_025179.4 (MANE Select); coding-DNA position 4530, G replaced by A.
Protein change: p.Glu1510=; no amino-acid change (glutamic acid 1510 retained).
Molecular consequence: synonymous variant.
Genome position (GRCh38, 1-based): chr1:208,038,955, C>T on the plus strand (G>A on the coding strand, the complement: PLXNA2 is on the minus strand). VCF-style: chr1-208038955-C-T. GRCh37 (hg19) VCF-style: chr1-208212300-C-T.
Identifiers: ClinVar variation 3351164 (VCV003351164.1).

ClinVar aggregate classification (germline): Likely benign (0 of 4 stars; one submission).

Conditions:
PLXNA2-related disorder. Also called: PLXNA2-related condition.

gnomAD v4.1: 18 of 1,613,950 alleles (0.0011%); highest among the groups gnomAD compares: Non-Finnish European, 0.0015%; no homozygotes.

Submission:

PreventionGenetics, part of Exact Sciences
Classification: Likely benign for PLXNA2-related condition. Last evaluated: 2023-10-25. Review status: no assertion criteria provided. Collection method: clinical testing. Allele origin: germline.
Comment: This variant is classified as likely benign based on ACMG/AMP sequence variant interpretation guidelines (Richards et al. 2015 PMID: 25741868, with internal and published modifications).